The following is an entry in ClinVar:

ClinVar aggregate classification (germline): Uncertain significance (1 of 4 stars; one submission).

Allele frequency attached by ClinVar (database versions not stated): gnomAD 0.00001.
gnomAD v4.1: 16 of 1,613,416 alleles (0.00099%); highest among the groups gnomAD compares: Non-Finnish European, 0.0013%; no homozygotes.

Submission:

Labcorp Genetics (formerly Invitae), Labcorp
Classification: Uncertain significance. Last evaluated: 2023-11-08. Review status: criteria provided, single submitter. Criteria: Invitae Variant Classification Sherloc (09022015). Collection method: clinical testing. Allele origin: germline.
Comment: This sequence change replaces glutamic acid, which is acidic and polar, with lysine, which is basic and polar, at codon 649 of the KIF20A protein (p.Glu649Lys). This variant is present in population databases (rs753228017, gnomAD 0.002%). This variant has not been reported in the literature in individuals affected with KIF20A-related conditions. ClinVar contains an entry for this variant (Variation ID: 1940828). Algorithms developed to predict the effect of missense changes on protein structure and function output the following: SIFT: "Not Available"; PolyPhen-2: "Benign"; Align-GVGD: "Not Available". The lysine amino acid residue is found in multiple mammalian species, which suggests that this missense change does not adversely affect protein function. In summary, the available evidence is currently insufficient to determine the role of this variant in disease. Therefore, it has been classified as a Variant of Uncertain Significance.

NM_005733.3(KIF20A):c.1945G>A (p.Glu649Lys)

Gene: KIF20A (kinesin family member 20A; plus strand). Cytogenetic location: 5q31.2.
Variant type: single nucleotide variant.
Coding change: c.1945G>A on transcript NM_005733.3 (MANE Select); coding-DNA position 1945, G replaced by A.
Protein change: p.Glu649Lys; replaces glutamic acid 649 with lysine.
Molecular consequence: missense variant.
Genome position (GRCh38, 1-based): chr5:138,185,530, G>A. VCF-style: chr5-138185530-G-A. GRCh37 (hg19) VCF-style: chr5-137521219-G-A.
Other names: short protein forms E649K.
Identifiers: ClinVar variation 1940828 (VCV001940828.5), dbSNP rs753228017, ClinGen allele CA3426772.